The following is an entry in ClinVar:

NM_019066.5(MAGEL2):c.1519C>G (p.Leu507Val)

Gene: MAGEL2 (MAGE family member L2; minus strand). Cytogenetic location: 15q11.2.
Variant type: single nucleotide variant.
Coding change: c.1519C>G on transcript NM_019066.5 (MANE Select); coding-DNA position 1519, C replaced by G.
Protein change: p.Leu507Val; replaces leucine 507 with valine.
Molecular consequence: missense variant.
Genome position (GRCh38, 1-based): chr15:23,646,224, G>C on the plus strand (C>G on the coding strand, the complement: MAGEL2 is on the minus strand). VCF-style: chr15-23646224-G-C. GRCh37 (hg19) VCF-style: chr15-23891371-G-C.
Other names: short protein forms L507V.
Identifiers: ClinVar variation 3355730 (VCV003355730.1).

ClinVar aggregate classification (germline): Uncertain significance (0 of 4 stars; one submission).

Conditions:
MAGEL2-related disorder. Also called: MAGEL2-related condition.

Submission:

PreventionGenetics, part of Exact Sciences
Classification: Uncertain significance for MAGEL2-related condition. Last evaluated: 2024-03-14. Review status: no assertion criteria provided. Collection method: clinical testing. Allele origin: germline.
Comment: The MAGEL2 c.1519C>G variant is predicted to result in the amino acid substitution p.Leu507Val. To our knowledge, this variant has not been reported in the literature or in a large population database, indicating this variant is rare. At this time, the clinical significance of this variant is uncertain due to the absence of conclusive functional and genetic evidence.